The following is an entry in ClinVar:

NM_147127.5(EVC2):c.986A>G (p.Asn329Ser)

Genes: EVC2 (EvC ciliary complex subunit 2; minus strand), LOC126806962 (BRD4-independent group 4 enhancer GRCh37_chr4:5666069-5667268; plus strand). Cytogenetic location: 4p16.2.
Variant type: single nucleotide variant.
Coding change: c.986A>G on transcript NM_147127.5 (MANE Select); coding-DNA position 986, A replaced by G.
Protein change: p.Asn329Ser; replaces asparagine 329 with serine.
Molecular consequence: missense variant.
Genome position (GRCh38, 1-based): chr4:5,665,534, T>C on the plus strand (A>G on the coding strand, the complement: EVC2 is on the minus strand). VCF-style: chr4-5665534-T-C. GRCh37 (hg19) VCF-style: chr4-5667261-T-C.
Other names: c.986A>G (NM_147127.4); c.746A>G, p.Asn249Ser (NM_001166136.2); short protein forms N329S, N249S.
Identifiers: ClinVar variation 1401608 (VCV001401608.7), dbSNP rs368314615, ClinGen allele CA2835206.

ClinVar aggregate classification (germline): Conflicting classifications of pathogenicity. Review status: criteria provided, conflicting classifications (1 of 4 stars). 2 submissions from 2 submitters: Uncertain significance (1); Likely benign (1). Last evaluated 2023-12-16.

Conditions:
Ellis-van Creveld syndrome (EVC). Also called: EVC-Related Ellis-van Creveld Syndrome; EVC2-Related Ellis-van Creveld Syndrome; Chondroectodermal dysplasia; MESOECTODERMAL DYSPLASIA. Identifiers: Orphanet 289, MedGen C0013903, MONDO:0009162, OMIM 225500.
Curry-Hall syndrome (WAD). Also called: WEYERS ACRODENTAL DYSOSTOSIS. Identifiers: Orphanet 952, MedGen C0457013, MONDO:0008673, OMIM 193530.
Inborn genetic diseases. Identifiers: MedGen C0950123, MeSH D030342.

Allele frequency attached by ClinVar (database versions not stated): gnomAD exomes below 0.00001; ExAC 0.00001; gnomAD 0.00004; TOPMed 0.00004; ESP Exome Variant Server 0.00008.

Submissions (2):

Ambry Genetics
Classification: Likely benign for Inborn genetic diseases. Last evaluated: 2023-12-16. Review status: criteria provided, single submitter. Criteria: Ambry Variant Classification Scheme 2023. Collection method: clinical testing. Allele origin: germline.

Labcorp Genetics (formerly Invitae), Labcorp
Classification: Uncertain significance for Curry-Hall syndrome; Ellis-van Creveld syndrome. Last evaluated: 2022-03-02. Review status: criteria provided, single submitter. Criteria: Invitae Variant Classification Sherloc (09022015). Collection method: clinical testing. Allele origin: germline.
Comment: This sequence change replaces asparagine, which is neutral and polar, with serine, which is neutral and polar, at codon 329 of the EVC2 protein (p.Asn329Ser). This variant is present in population databases (rs368314615, gnomAD 0.01%). This variant has not been reported in the literature in individuals affected with EVC2-related conditions. Algorithms developed to predict the effect of missense changes on protein structure and function output the following: SIFT: "Tolerated"; PolyPhen-2: "Benign"; Align-GVGD: "Class C0". The serine amino acid residue is found in multiple mammalian species, which suggests that this missense change does not adversely affect protein function. In summary, the available evidence is currently insufficient to determine the role of this variant in disease. Therefore, it has been classified as a Variant of Uncertain Significance.